The following is an entry in ClinVar:

ClinVar aggregate classification (germline): Uncertain significance (1 of 4 stars; one submission).

Submission:

Labcorp Genetics (formerly Invitae), Labcorp
Classification: Uncertain significance. Last evaluated: 2022-08-10. Review status: criteria provided, single submitter. Criteria: Invitae Variant Classification Sherloc (09022015). Collection method: clinical testing. Allele origin: germline.
Comment: Algorithms developed to predict the effect of missense changes on protein structure and function (SIFT, PolyPhen-2, Align-GVGD) all suggest that this variant is likely to be tolerated. This variant has not been reported in the literature in individuals affected with DOCK6-related conditions. This variant is not present in population databases (gnomAD no frequency). This sequence change replaces leucine, which is neutral and non-polar, with phenylalanine, which is neutral and non-polar, at codon 232 of the DOCK6 protein (p.Leu232Phe). In summary, the available evidence is currently insufficient to determine the role of this variant in disease. Therefore, it has been classified as a Variant of Uncertain Significance.

NM_020812.4(DOCK6):c.694C>T (p.Leu232Phe)

Gene: DOCK6 (dedicator of cytokinesis 6; minus strand). Cytogenetic location: 19p13.2.
Variant type: single nucleotide variant.
Coding change: c.694C>T on transcript NM_020812.4 (MANE Select); coding-DNA position 694, C replaced by T.
Protein change: p.Leu232Phe; replaces leucine 232 with phenylalanine.
Molecular consequence: missense variant.
Genome position (GRCh38, 1-based): chr19:11,250,900, G>A on the plus strand (C>T on the coding strand, the complement: DOCK6 is on the minus strand). VCF-style: chr19-11250900-G-A. GRCh37 (hg19) VCF-style: chr19-11361576-G-A.
Other names: c.694C>T, p.Leu232Phe (NM_001367830.1); short protein forms L232F.
Identifiers: ClinVar variation 2082054 (VCV002082054.4), dbSNP rs2513195940, ClinGen allele CA404115446.